The following is an entry in ClinVar:

ClinVar aggregate classification (germline): Uncertain significance (0 of 4 stars; one submission).

Allele frequency attached by ClinVar (database versions not stated): gnomAD exomes below 0.00001; ExAC 0.00001; gnomAD 0.00001; TOPMed 0.00002.
gnomAD v4.1: 15 of 1,614,012 alleles (0.00093%); highest among the groups gnomAD compares: Non-Finnish European, 0.0013%; no homozygotes.

Submission:

Department of Pathology and Laboratory Medicine, Sinai Health System
Classification: Uncertain significance. Review status: no assertion criteria provided. Collection method: clinical testing. Allele origin: unknown. Affected: yes. Study: The Canadian Open Genetics Repository (COGR).
Comment: The ENAM p.Glu742Asp variant was not identified in the literature nor was it identified in ClinVar. The variant was identified in dbSNP (ID: rs753647450) and in control databases in 1 of 250358 chromosomes at a frequency of 0.000003994 (Genome Aggregation Database March 6, 2019, v2.1.1). The variant was observed in the European (non-Finnish) population in 1 of 113320 chromosomes (freq: 0.000009), but was not observed in the African, Latino, Ashkenazi Jewish, East Asian, European (Finnish), Other, or South Asian populations. The p.Glu742 residue is not conserved in mammals and computational analyses (PolyPhen-2, SIFT, AlignGVGD, BLOSUM, MutationTaster) do not suggest a high likelihood of impact to the protein; however, this information is not predictive enough to rule out pathogenicity. The variant occurs outside of the splicing consensus sequence and in silico or computational prediction software programs (SpliceSiteFinder, MaxEntScan, NNSPLICE, GeneSplicer) do not predict a difference in splicing. In summary, based on the above information the clinical significance of this variant cannot be determined with certainty at this time. This variant is classified as a variant of uncertain significance.

NM_031889.3(ENAM):c.2226G>C (p.Glu742Asp)

Gene: ENAM (enamelin; plus strand). Cytogenetic location: 4q13.3.
Variant type: single nucleotide variant.
Coding change: c.2226G>C on transcript NM_031889.3 (MANE Select); coding-DNA position 2226, G replaced by C.
Protein change: p.Glu742Asp; replaces glutamic acid 742 with aspartic acid.
Molecular consequence: missense variant.
Genome position (GRCh38, 1-based): chr4:70,643,652, G>C. VCF-style: chr4-70643652-G-C. GRCh37 (hg19) VCF-style: chr4-71509369-G-C.
Other names: c.1572G>C, p.Glu524Asp (NM_001368133.1); short protein forms E524D, E742D.
Identifiers: ClinVar variation 1050433 (VCV001050433.1), dbSNP rs753647450, ClinGen allele CA2952242.